The following is an entry in ClinVar:

NM_006662.3(SRCAP):c.2130+6A>T

Gene: SRCAP (Snf2 related CREBBP activator protein; plus strand). Cytogenetic location: 16p11.2.
Variant type: single nucleotide variant.
Coding change: c.2130+6A>T on transcript NM_006662.3 (MANE Select); 6 bases into the intron after coding-DNA position 2130, A replaced by T.
Molecular consequence: intron variant.
Genome position (GRCh38, 1-based): chr16:30,712,821, A>T. VCF-style: chr16-30712821-A-T. GRCh37 (hg19) VCF-style: chr16-30724142-A-T.
Identifiers: ClinVar variation 1490247 (VCV001490247.7), dbSNP rs894326862, ClinGen allele CA280507454.

ClinVar aggregate classification (germline): Uncertain significance. Review status: criteria provided, multiple submitters, no conflicts (2 of 4 stars). 2 submissions from 2 submitters: Uncertain significance (2). Last evaluated 2024-12-02.

Conditions:
Floating-Harbor syndrome (FLHS). Also called: Short stature with delayed bone age, expressive language delay, a triangular face with a prominent nose and deep-set eyes; Pelletier-Leisti syndrome; SRCAP-Related Floating-Harbor Syndrome. Identifiers: Orphanet 2044, MedGen C0729582, MONDO:0007621, OMIM 136140.
Developmental delay, hypotonia, musculoskeletal defects, and behavioral abnormalities. Identifiers: MedGen C5562012, MONDO:0859202, OMIM 619595.

Allele frequency attached by ClinVar (database versions not stated): gnomAD exomes 0.00001.
gnomAD v4.1: 18 of 1,613,910 alleles (0.0011%); highest among the groups gnomAD compares: Admixed American, 0.0017%; no homozygotes.

Submissions (2):

Labcorp Genetics (formerly Invitae), Labcorp
Classification: Uncertain significance. Last evaluated: 2024-12-02. Review status: criteria provided, single submitter. Criteria: Invitae Variant Classification Sherloc (09022015). Collection method: clinical testing. Allele origin: germline.
Comment: This sequence change falls in intron 14 of the SRCAP gene. It does not directly change the encoded amino acid sequence of the SRCAP protein. It affects a nucleotide within the consensus splice site. This variant is present in population databases (no rsID available, gnomAD 0.003%). This variant has not been reported in the literature in individuals affected with SRCAP-related conditions. ClinVar contains an entry for this variant (Variation ID: 1490247). Variants that disrupt the consensus splice site are a relatively common cause of aberrant splicing (PMID: 17576681, 9536098). Algorithms developed to predict the effect of sequence changes on RNA splicing suggest that this variant is not likely to affect RNA splicing. In summary, the available evidence is currently insufficient to determine the role of this variant in disease. Therefore, it has been classified as a Variant of Uncertain Significance.

Fulgent Genetics
Classification: Uncertain significance for Floating-Harbor syndrome; Developmental delay, hypotonia, musculoskeletal defects, and behavioral abnormalities. Last evaluated: 2021-11-05. Review status: criteria provided, single submitter. Criteria: ACMG Guidelines, 2015. Collection method: clinical testing. Allele origin: unknown.

Literature cited by the submitters: PubMed 17576681 (cited by Labcorp Genetics (formerly Invitae), Labcorp); PubMed 9536098 (cited by Labcorp Genetics (formerly Invitae), Labcorp).